The following is an entry in ClinVar:

NM_014625.4(NPHS2):c.738G>T (p.Lys246Asn)

Gene: NPHS2 (NPHS2 stomatin family member, podocin; minus strand). Cytogenetic location: 1q25.2.
Variant type: single nucleotide variant.
Coding change: c.738G>T on transcript NM_014625.4 (MANE Select); coding-DNA position 738, G replaced by T.
Protein change: p.Lys246Asn; replaces lysine 246 with asparagine.
Molecular consequence: missense variant. On other transcripts: intron variant (1).
Genome position (GRCh38, 1-based): chr1:179,557,027, C>A on the plus strand (G>T on the coding strand, the complement: NPHS2 is on the minus strand). VCF-style: chr1-179557027-C-A. GRCh37 (hg19) VCF-style: chr1-179526162-C-A.
Other names: c.535-2496G>T (NM_001297575.2); short protein forms K246N.
Identifiers: ClinVar variation 1942492 (VCV001942492.5), dbSNP rs781071984, ClinGen allele CA33697171.
Genomic context (GRCh38, chr1:179,557,027, plus strand): 5'-TGAACAAATGAATAAAAGATAAATATTTCAGCATATTGGCCATTATGTTTATCTAAGTAC[C>A]TTTGCATCTTGGGCGATGCTCTTCCTCTCTAGAAGAATTTCAGTGAGGGATCGATGTGCT-3'
Protein context (NP_055440.1, residues 236-256): LERKSIAQDA[Lys246Asn]VALDSVTCIW

ClinVar aggregate classification (germline): Uncertain significance. Review status: criteria provided, single submitter (1 of 4 stars). 2 submissions from 2 submitters: Uncertain significance (1). 1 of the submissions does not count toward it. Last evaluated 2024-12-02.

Conditions:
NPHS2-related disorder. Also called: NPHS2-related condition.

Allele frequency attached by ClinVar (database versions not stated): TOPMed below 0.00001.
gnomAD v4.1: 2 of 1,610,854 alleles (0.00012%); highest among the groups gnomAD compares: Admixed American, 0.0033%; no homozygotes.

Submissions (2):

Labcorp Genetics (formerly Invitae), Labcorp
Classification: Uncertain significance. Last evaluated: 2024-12-02. Review status: criteria provided, single submitter. Criteria: Invitae Variant Classification Sherloc (09022015). Collection method: clinical testing. Allele origin: germline.
Comment: This sequence change replaces lysine, which is basic and polar, with asparagine, which is neutral and polar, at codon 246 of the NPHS2 protein (p.Lys246Asn). This variant also falls at the last nucleotide of exon 5, which is part of the consensus splice site for this exon. This variant is present in population databases (rs781071984, gnomAD 0.006%). This missense change has been observed in individual(s) with nephrotic syndrome (internal data). ClinVar contains an entry for this variant (Variation ID: 1942492). Invitae Evidence Modeling of protein sequence and biophysical properties (such as structural, functional, and spatial information, amino acid conservation, physicochemical variation, residue mobility, and thermodynamic stability) indicates that this missense variant is expected to disrupt NPHS2 protein function with a positive predictive value of 95%. Variants that disrupt the consensus splice site are a relatively common cause of aberrant splicing (PMID: 17576681, 9536098). Algorithms developed to predict the effect of sequence changes on RNA splicing suggest that this variant may disrupt the consensus splice site. In summary, the available evidence is currently insufficient to determine the role of this variant in disease. Therefore, it has been classified as a Variant of Uncertain Significance.

PreventionGenetics, part of Exact Sciences
Classification: Uncertain significance for NPHS2-related condition. Last evaluated: 2024-08-15. Review status: no assertion criteria provided. Collection method: clinical testing. Allele origin: germline. Not counted in ClinVar's aggregate classification.
Comment: The NPHS2 c.738G>T variant is predicted to result in the amino acid substitution p.Lys246Asn. This nucleotide change is located at the last base of exon 5 and is predicted to significantly weaken the nearby normal splice donor site signal (Alamut Visual Plus v1.6.1; SpliceAI, Jaganathan et al. 2019. PubMed ID: 30661751). However, the use of computer prediction programs is not equivalent to functional evidence. To our knowledge, this variant has not been reported in the literature. This variant is reported in 0.0058% of alleles in individuals of Latino descent in gnomAD. Although we suspect that this variant may be pathogenic, at this time, the clinical significance of this variant is uncertain due to the absence of conclusive functional and genetic evidence.

Literature cited by the submitters: PubMed 17576681 (cited by Labcorp Genetics (formerly Invitae), Labcorp); PubMed 9536098 (cited by Labcorp Genetics (formerly Invitae), Labcorp).